The following is an entry in ClinVar:

ClinVar aggregate classification (germline): Uncertain significance (1 of 4 stars; one submission).

Submission:

Labcorp Genetics (formerly Invitae), Labcorp
Classification: Uncertain significance. Last evaluated: 2023-04-20. Review status: criteria provided, single submitter. Criteria: Invitae Variant Classification Sherloc (09022015). Collection method: clinical testing. Allele origin: germline.
Comment: In summary, the available evidence is currently insufficient to determine the role of this variant in disease. Therefore, it has been classified as a Variant of Uncertain Significance. This sequence change replaces glycine, which is neutral and non-polar, with alanine, which is neutral and non-polar, at codon 26 of the RNF31 protein (p.Gly26Ala). This variant is not present in population databases (gnomAD no frequency). This variant has not been reported in the literature in individuals affected with RNF31-related conditions. Algorithms developed to predict the effect of missense changes on protein structure and function output the following: SIFT: "Not Available"; PolyPhen-2: "Benign"; Align-GVGD: "Not Available". The alanine amino acid residue is found in multiple mammalian species, which suggests that this missense change does not adversely affect protein function.

NM_017999.5(RNF31):c.77G>C (p.Gly26Ala)

Gene: RNF31 (ring finger protein 31; plus strand). Cytogenetic location: 14q12.
Variant type: single nucleotide variant.
Coding change: c.77G>C on transcript NM_017999.5 (MANE Select); coding-DNA position 77, G replaced by C.
Protein change: p.Gly26Ala; replaces glycine 26 with alanine.
Molecular consequence: missense variant. On other transcripts: intron variant (1).
Genome position (GRCh38, 1-based): chr14:24,147,775, G>C. VCF-style: chr14-24147775-G-C. GRCh37 (hg19) VCF-style: chr14-24616984-G-C.
Other names: c.-325-201G>C (NM_001310332.2); short protein forms G26A.
Identifiers: ClinVar variation 2857874 (VCV002857874.3), dbSNP rs2501989439, ClinGen allele CA389283889.